The following is an entry in ClinVar:

ClinVar aggregate classification (germline): Likely benign. Review status: criteria provided, multiple submitters, no conflicts (2 of 4 stars). 2 submissions from 2 submitters: Likely benign (2). Last evaluated 2025-12-15.

Conditions:
DEPDC5-related disorder. Also called: DEPDC5-related condition; DEPDC5-related related disorder.
Familial focal epilepsy with variable foci (FPEVF). Identifiers: Orphanet 98820, MedGen C1858477, MONDO:0020310.

Allele frequency attached by ClinVar (database versions not stated): TOPMed 0.00001.
gnomAD v4.1: 12 of 1,611,216 alleles (0.00074%); highest among the groups gnomAD compares: East Asian, 0.0022%; no homozygotes.

Submissions (2):

Labcorp Genetics (formerly Invitae), Labcorp
Classification: Likely benign for Familial focal epilepsy with variable foci. Last evaluated: 2025-12-15. Review status: criteria provided, single submitter. Criteria: Invitae Variant Classification Sherloc (09022015). Collection method: clinical testing. Allele origin: germline.

PreventionGenetics, part of Exact Sciences
Classification: Likely benign for DEPDC5-related condition. Last evaluated: 2025-06-26. Review status: criteria provided, single submitter. Criteria: ACMG Guidelines, 2015. Collection method: clinical testing. Allele origin: germline.
Comment: This variant is classified as likely benign based on ACMG/AMP sequence variant interpretation guidelines (Richards et al. 2015 PMID: 25741868, with internal and published modifications).

NM_001242896.3(DEPDC5):c.1217+9G>A

Gene: DEPDC5 (DEP domain containing 5, GATOR1 subcomplex subunit; plus strand). Cytogenetic location: 22q12.3.
Variant type: single nucleotide variant.
Coding change: c.1217+9G>A on transcript NM_001242896.3 (MANE Select); 9 bases into the intron after coding-DNA position 1217, G replaced by A.
Molecular consequence: intron variant.
Genome position (GRCh38, 1-based): chr22:31,804,924, G>A. VCF-style: chr22-31804924-G-A. GRCh37 (hg19) VCF-style: chr22-32200910-G-A.
Other names: c.1217+9G>A (NM_001364318.2, NM_001136029.4, NM_014662.6 and 8 more transcripts); c.1133+9G>A (NM_001369902.1, NM_001369901.1).
Identifiers: ClinVar variation 2884820 (VCV002884820.4), dbSNP rs1243625701, ClinGen allele CA639060628.